The following is an entry in ClinVar:

NM_005612.5(REST):c.2851A>G (p.Thr951Ala)

Gene: REST (RE1 silencing transcription factor; plus strand). Cytogenetic location: 4q12.
Variant type: single nucleotide variant.
Coding change: c.2851A>G on transcript NM_005612.5 (MANE Select); coding-DNA position 2851, A replaced by G.
Protein change: p.Thr951Ala; replaces threonine 951 with alanine.
Molecular consequence: missense variant.
Genome position (GRCh38, 1-based): chr4:56,931,709, A>G. VCF-style: chr4-56931709-A-G. GRCh37 (hg19) VCF-style: chr4-57797875-A-G.
Other names: c.2851A>G, p.Thr951Ala (NM_001193508.2, NM_001363453.3); short protein forms T951A.
Identifiers: ClinVar variation 2071591 (VCV002071591.6), dbSNP rs199520565, ClinGen allele CA2932565.

ClinVar aggregate classification (germline): Conflicting classifications of pathogenicity. Review status: criteria provided, conflicting classifications (1 of 4 stars). 3 submissions from 3 submitters: Uncertain significance (2); Likely benign (1). Last evaluated 2026-01-22.

Conditions:
REST-related disorder. Also called: REST-related condition.
Inborn genetic diseases. Identifiers: MedGen C0950123, MeSH D030342.

Allele frequency attached by ClinVar (database versions not stated): gnomAD 0.00022; ESP Exome Variant Server 0.00031; 1000 Genomes Project 0.00040; 1000 Genomes Project 30x 0.00047.
gnomAD v4.1: 63 of 1,614,182 alleles (0.0039%); highest among the groups gnomAD compares: African/African-American, 0.072%; no homozygotes.

Submissions (3):

Labcorp Genetics (formerly Invitae), Labcorp
Classification: Uncertain significance. Last evaluated: 2026-01-22. Review status: criteria provided, single submitter. Criteria: Invitae Variant Classification Sherloc (09022015). Collection method: clinical testing. Allele origin: germline.
Comment: This sequence change replaces threonine, which is neutral and polar, with alanine, which is neutral and non-polar, at codon 951 of the REST protein (p.Thr951Ala). This variant is present in population databases (rs199520565, gnomAD 0.06%), and has an allele count higher than expected for a pathogenic variant. This variant has not been reported in the literature in individuals affected with REST-related conditions. ClinVar contains an entry for this variant (Variation ID: 2071591). An algorithm developed to predict the effect of missense changes on protein structure and function outputs the following: PolyPhen-2: "Benign". The alanine amino acid residue is found in multiple mammalian species, which suggests that this missense change does not adversely affect protein function. In summary, the available evidence is currently insufficient to determine the role of this variant in disease. Therefore, it has been classified as a Variant of Uncertain Significance.

PreventionGenetics, part of Exact Sciences
Classification: Likely benign for REST-related condition. Last evaluated: 2024-12-16. Review status: criteria provided, single submitter. Criteria: ACMG Guidelines, 2015. Collection method: clinical testing. Allele origin: germline.
Comment: This variant is classified as likely benign based on ACMG/AMP sequence variant interpretation guidelines (Richards et al. 2015 PMID: 25741868, with internal and published modifications).

Ambry Genetics
Classification: Uncertain significance for Inborn genetic diseases. Last evaluated: 2024-03-20. Review status: criteria provided, single submitter. Criteria: Ambry Variant Classification Scheme 2023. Collection method: clinical testing. Allele origin: germline.